The following is an entry in ClinVar:

NM_002519.3(NPAT):c.3482A>G (p.His1161Arg)

Gene: NPAT (nuclear protein, coactivator of histone transcription; minus strand). Cytogenetic location: 11q22.3.
Variant type: single nucleotide variant.
Coding change: c.3482A>G on transcript NM_002519.3 (MANE Select); coding-DNA position 3482, A replaced by G.
Protein change: p.His1161Arg; replaces histidine 1161 with arginine.
Molecular consequence: missense variant.
Genome position (GRCh38, 1-based): chr11:108,161,604, T>C on the plus strand (A>G on the coding strand, the complement: NPAT is on the minus strand). VCF-style: chr11-108161604-T-C. GRCh37 (hg19) VCF-style: chr11-108032331-T-C.
Other names: c.3503A>G, p.His1168Arg (NM_001321307.1); short protein forms H1161R, H1168R.
Identifiers: ClinVar variation 2076870 (VCV002076870.4), dbSNP rs377418446, ClinGen allele CA6263573.
Genomic context (GRCh38, chr11:108,161,604, plus strand): 5'-GGATTTTTCTGTCTTTCTACATCGCTGCATAATTCATTCTCCTTATTAGCTGTTGCTTTA[T>C]GGAAAGATTCAAGCACAATTTCTGTTGGTGAAACTTTCTTTTCTGATTGAGTTTCTCTTA-3'
Protein context (NP_002510.2, residues 1151-1171): SPTEIVLESF[His1161Arg]KATANKENEL

ClinVar aggregate classification (germline): Uncertain significance (1 of 4 stars; one submission).

Allele frequency attached by ClinVar (database versions not stated): gnomAD 0.00005; ESP Exome Variant Server 0.00008; ExAC 0.00009; TOPMed 0.00009; 1000 Genomes Project 30x 0.00016; 1000 Genomes Project 0.00020.
gnomAD v4.1: 114 of 1,614,208 alleles (0.0071%); highest among the groups gnomAD compares: Admixed American, 0.038%; 1 homozygote.

Submission:

Labcorp Genetics (formerly Invitae), Labcorp
Classification: Uncertain significance. Last evaluated: 2025-12-18. Review status: criteria provided, single submitter. Criteria: Invitae Variant Classification Sherloc (09022015). Collection method: clinical testing. Allele origin: germline.
Comment: This sequence change replaces histidine, which is basic and polar, with arginine, which is basic and polar, at codon 1161 of the NPAT protein (p.His1161Arg). This variant is present in population databases (rs377418446, gnomAD 0.04%). This variant has not been reported in the literature in individuals affected with NPAT-related conditions. ClinVar contains an entry for this variant (Variation ID: 2076870). An algorithm developed to predict the effect of missense changes on protein structure and function (PolyPhen-2) suggests that this variant is likely to be disruptive. In summary, the available evidence is currently insufficient to determine the role of this variant in disease. Therefore, it has been classified as a Variant of Uncertain Significance.